The following is an entry in ClinVar:

ClinVar aggregate classification (germline): Likely benign (1 of 4 stars; one submission).

Allele frequency attached by ClinVar (database versions not stated): 1000 Genomes Project 0.00160; 1000 Genomes Project 30x 0.00172; TOPMed 0.00405; gnomAD 0.00413; ExAC 0.00415; ESP Exome Variant Server 0.00546.

Submission:

CeGaT Center for Human Genetics Tuebingen
Classification: Likely benign. Last evaluated: 2022-09-01. Review status: criteria provided, single submitter. Criteria: CeGaT Center For Human Genetics Tuebingen Variant Classification Criteria Version 2. Collection method: clinical testing. Allele origin: germline. Affected: yes. Observed: 1 variant allele.
Comment: MRPS15: BS2

NM_031280.4(MRPS15):c.612G>A (p.Val204=)

Gene: MRPS15 (mitochondrial ribosomal protein S15; minus strand). Cytogenetic location: 1p34.3.
Variant type: single nucleotide variant.
Coding change: c.612G>A on transcript NM_031280.4 (MANE Select); coding-DNA position 612, G replaced by A.
Protein change: p.Val204=; no amino-acid change (valine 204 retained).
Molecular consequence: synonymous variant.
Genome position (GRCh38, 1-based): chr1:36,456,211, C>T on the plus strand (G>A on the coding strand, the complement: MRPS15 is on the minus strand). VCF-style: chr1-36456211-C-T. GRCh37 (hg19) VCF-style: chr1-36921812-C-T.
Identifiers: ClinVar variation 2638673 (VCV002638673.24), dbSNP rs143704525, ClinGen allele CA768587.